The following is an entry in ClinVar:

ClinVar aggregate classification (germline): Uncertain significance (1 of 4 stars; one submission).

Conditions:
Brugada syndrome 8 (BRGDA8). Identifiers: Orphanet 130, MedGen C2751083, MONDO:0013148, OMIM 613123.

Submission:

Labcorp Genetics (formerly Invitae), Labcorp
Classification: Uncertain significance for Brugada syndrome 8. Last evaluated: 2023-05-17. Review status: criteria provided, single submitter. Criteria: Invitae Variant Classification Sherloc (09022015). Collection method: clinical testing. Allele origin: germline.
Comment: In summary, the available evidence is currently insufficient to determine the role of this variant in disease. Therefore, it has been classified as a Variant of Uncertain Significance. Algorithms developed to predict the effect of sequence changes on RNA splicing suggest that this variant may disrupt the consensus splice site. This variant has not been reported in the literature in individuals affected with HCN4-related conditions. This variant is not present in population databases (gnomAD no frequency). This sequence change affects a donor splice site in intron 4 of the HCN4 gene. It is expected to disrupt RNA splicing. Variants that disrupt the donor or acceptor splice site typically lead to a loss of protein function (PMID: 16199547), however the current clinical and genetic evidence is not sufficient to establish whether loss-of-function variants in HCN4 cause disease.

Literature cited by the submitters: PubMed 16199547.

NM_005477.3(HCN4):c.1590+1G>A

Gene: HCN4 (hyperpolarization activated cyclic nucleotide gated potassium channel 4; minus strand). Cytogenetic location: 15q24.1.
Variant type: single nucleotide variant.
Coding change: c.1590+1G>A on transcript NM_005477.3 (MANE Select); the canonical splice donor site of the intron after coding-DNA position 1590, G replaced by A.
Molecular consequence: splice donor variant.
Genome position (GRCh38, 1-based): chr15:73,329,572, C>T on the plus strand (G>A on the coding strand, the complement: HCN4 is on the minus strand). VCF-style: chr15-73329572-C-T. GRCh37 (hg19) VCF-style: chr15-73621913-C-T.
Identifiers: ClinVar variation 2865149 (VCV002865149.1), dbSNP rs2549071307, ClinGen allele CA393093306.